The following is an entry in ClinVar:

ClinVar aggregate classification (germline): Likely pathogenic (1 of 4 stars; one submission).

Conditions:
Neurodegeneration with brain iron accumulation (NBIA). Identifiers: Orphanet 385, MedGen C2931845, MONDO:0018307.

Allele frequency attached by ClinVar (database versions not stated): TOPMed below 0.00001.

Submission:

Women's Health and Genetics/Laboratory Corporation of America, LabCorp
Classification: Likely pathogenic for Neurodegeneration with brain iron accumulation. Last evaluated: 2023-03-13. Review status: criteria provided, single submitter. Criteria: LabCorp Variant Classification Summary - May 2015. Collection method: clinical testing. Allele origin: germline.
Comment: Variant summary: ATP13A2 c.1600C>T (p.Gln534X) results in a premature termination codon, predicted to cause a truncation of the encoded protein or absence of the protein due to nonsense mediated decay, which are commonly known mechanisms for disease. Truncations downstream of this position have been classified as pathogenic by our laboratory. The variant was absent in 199340 control chromosomes (gnomAD). To our knowledge, no occurrence of c.1600C>T in individuals affected with Neurodegeneration With Brain Iron Accumulation and no experimental evidence demonstrating its impact on protein function have been reported. No clinical diagnostic laboratories have submitted clinical-significance assessments for this variant to ClinVar after 2014. Based on the evidence outlined above, the variant was classified as likely pathogenic.

Literature cited by the submitters: PubMed 30487145.

NM_022089.4(ATP13A2):c.1600C>T (p.Gln534Ter)

Gene: ATP13A2 (ATPase cation transporting 13A2; minus strand). Cytogenetic location: 1p36.13.
Variant type: single nucleotide variant.
Coding change: c.1600C>T on transcript NM_022089.4 (MANE Select); coding-DNA position 1600, C replaced by T.
Protein change: p.Gln534Ter; replaces glutamine 534 with a stop codon.
Molecular consequence: nonsense.
Genome position (GRCh38, 1-based): chr1:16,993,778, G>A on the plus strand (C>T on the coding strand, the complement: ATP13A2 is on the minus strand). VCF-style: chr1-16993778-G-A. GRCh37 (hg19) VCF-style: chr1-17320273-G-A.
Other names: c.1585C>T, p.Gln529Ter (NM_001141973.3, NM_001141974.3); short protein forms Q529*, Q534*.
Identifiers: ClinVar variation 2501244 (VCV002501244.1), dbSNP rs1412349209, ClinGen allele CA338248867.
Genomic context (GRCh38, chr1:16,993,778, plus strand): 5'-CTCGGAGCAGGGGCCCCACAGGCAGGCGGCGAGGCTCTGGGACCAGGGGCAGGAATGCCT[G>A]CCCCTTCAGGGGCACCACCCCCATCACGTCTAAGCCGTCCTCAGTGAGGGTGCCCGTCTG-3'